The following is an entry in ClinVar:

NM_001374736.1(DST):c.17923G>A (p.Glu5975Lys)

Gene: DST (dystonin; minus strand). Cytogenetic location: 6p12.1.
Variant type: single nucleotide variant.
Coding change: c.17923G>A on transcript NM_001374736.1 (MANE Select); coding-DNA position 17923, G replaced by A.
Protein change: p.Glu5975Lys; replaces glutamic acid 5975 with lysine.
Molecular consequence: missense variant.
Genome position (GRCh38, 1-based): chr6:56,526,567, C>T on the plus strand (G>A on the coding strand, the complement: DST is on the minus strand). VCF-style: chr6-56526567-C-T. GRCh37 (hg19) VCF-style: chr6-56391365-C-T.
Other names: p.Glu3352Lys; c.11566G>A, p.Glu3856Lys (NM_001144769.5); c.11152G>A, p.Glu3718Lys (NM_001144770.2); c.17923G>A, p.Glu5975Lys (NM_001374722.1); c.16963G>A, p.Glu5655Lys (NM_001374729.1); c.10705G>A, p.Glu3569Lys (NM_001374730.1); c.17950G>A, p.Glu5984Lys (NM_001374734.1); c.10054G>A, p.Glu3352Lys (NM_015548.5); and 1 more; short protein forms E3678K, E3856K, E3352K, E5975K, E3569K, E3718K, E5655K, E5984K.
Identifiers: ClinVar variation 972215 (VCV000972215.12), dbSNP rs371243432, ClinGen allele CA3867333.

ClinVar aggregate classification (germline): Uncertain significance. Review status: criteria provided, multiple submitters, no conflicts (2 of 4 stars). 5 submissions from 5 submitters: Uncertain significance (5). Last evaluated 2026-06-24.

Conditions:
Inborn genetic diseases. Identifiers: MedGen C0950123, MeSH D030342.
DST-related disorder. Also called: DST-related condition; DST-related disorders.
Epidermolysis bullosa simplex 3, localized or generalized intermediate, with BP230 deficiency (EBS3). Also called: Epidermolysis bullosa simplex, autosomal recessive 2; Epidermolysis bullosa simplex due to BP230 deficiency. Identifiers: Orphanet 412181, MedGen C3809470, MONDO:0014180, OMIM 615425.
Hereditary sensory and autonomic neuropathy type 6. Also called: HSAN VI; Neuropathy, hereditary sensory and autonomic, type VI. Identifiers: Orphanet 314381, MedGen C3539003, MONDO:0013839, OMIM 614653.

Allele frequency attached by ClinVar (database versions not stated): ExAC 0.00001; gnomAD exomes 0.00001 and 0.00007; gnomAD 0.00003; TOPMed 0.00008; ESP Exome Variant Server 0.00017.
gnomAD v4.1: 107 of 1,612,370 alleles (0.0066%); highest among the groups gnomAD compares: Non-Finnish European, 0.0086%; no homozygotes.

Submissions (5):

PreventionGenetics, part of Exact Sciences
Classification: Uncertain significance for DST-related condition. Last evaluated: 2026-06-24. Review status: criteria provided, single submitter. Criteria: ACMG Guidelines, 2015. Collection method: clinical testing. Allele origin: germline.
Comment: The DST c.11566G>A variant is predicted to result in the amino acid substitution p.Glu3856Lys. To our knowledge, this variant has not been reported in the literature. This variant is reported in 0.0041% of alleles in individuals of African descent in gnomAD. At this time, the clinical significance of this variant is uncertain due to the absence of conclusive functional and genetic evidence.

Labcorp Genetics (formerly Invitae), Labcorp
Classification: Uncertain significance for Epidermolysis bullosa simplex 3, localized or generalized intermediate, with BP230 deficiency; Hereditary sensory and autonomic neuropathy type 6. Last evaluated: 2024-10-30. Review status: criteria provided, single submitter. Criteria: Invitae Variant Classification Sherloc (09022015). Collection method: clinical testing. Allele origin: germline.
Comment: The DST gene has multiple clinically relevant transcripts. This variant occurs in alternate transcript NM_015548.4, and corresponds to NM_001723.5:c.*88950G>A in the primary transcript. This sequence change replaces glutamic acid, which is acidic and polar, with lysine, which is basic and polar, at codon 3352 of the DST protein (p.Glu3352Lys). This variant is present in population databases (rs371243432, gnomAD 0.004%). This variant has not been reported in the literature in individuals affected with DST-related conditions. ClinVar contains an entry for this variant (Variation ID: 972215). Experimental studies and prediction algorithms are not available or were not evaluated, and the functional significance of this variant is currently unknown. In summary, the available evidence is currently insufficient to determine the role of this variant in disease. Therefore, it has been classified as a Variant of Uncertain Significance.

GeneDx
Classification: Uncertain significance. Last evaluated: 2024-06-10. Review status: criteria provided, single submitter. Criteria: GeneDx Variant Classification Process June 2021. Collection method: clinical testing. Allele origin: germline.
Comment: In silico analysis supports that this missense variant has a deleterious effect on protein structure/function; Has not been previously published as pathogenic or benign to our knowledge

Mayo Clinic Laboratories, Mayo Clinic
Classification: Uncertain significance. Last evaluated: 2024-05-02. Review status: criteria provided, single submitter. Criteria: ACMG Guidelines, 2015. Collection method: clinical testing. Allele origin: germline. Observed: 1 variant allele.
Comment: BP4, PM2

Ambry Genetics
Classification: Uncertain significance for Inborn genetic diseases. Last evaluated: 2021-01-13. Review status: criteria provided, single submitter. Criteria: Ambry Variant Classification Scheme 2023. Collection method: clinical testing. Allele origin: germline.
Comment: The p.E3856K variant (also known as c.11566G>A), located in coding exon 63 of the DST gene, results from a G to A substitution at nucleotide position 11566. This variant impacts the first base pair of coding exon 63. The glutamic acid at codon 3856 is replaced by lysine, an amino acid with similar properties. This amino acid position is not well conserved in available vertebrate species. In addition, the in silico prediction for this alteration is inconclusive. Since supporting evidence is limited at this time, the clinical significance of this alteration remains unclear.